The following is an entry in ClinVar:

NM_152305.3(POGLUT1):c.689A>C (p.Lys230Thr)

Gene: POGLUT1 (protein O-glucosyltransferase 1; plus strand). Cytogenetic location: 3q13.33.
Variant type: single nucleotide variant.
Coding change: c.689A>C on transcript NM_152305.3 (MANE Select); coding-DNA position 689, A replaced by C.
Protein change: p.Lys230Thr; replaces lysine 230 with threonine.
Molecular consequence: missense variant. On other transcripts: non-coding transcript variant (1).
Genome position (GRCh38, 1-based): chr3:119,486,883, A>C. VCF-style: chr3-119486883-A-C. GRCh37 (hg19) VCF-style: chr3-119205730-A-C.
Other names: c.689A>C, p.Lys230Thr (NM_020231.3); c.689A>C (NM_152305.2); short protein forms K230T.
Identifiers: ClinVar variation 2139590 (VCV002139590.5), dbSNP rs780728548, ClinGen allele CA2554944.

ClinVar aggregate classification (germline): Uncertain significance. Review status: criteria provided, multiple submitters, no conflicts (2 of 4 stars). 2 submissions from 2 submitters: Uncertain significance (2). Last evaluated 2024-05-06.

Conditions:
Inborn genetic diseases. Identifiers: MedGen C0950123, MeSH D030342.

Allele frequency attached by ClinVar (database versions not stated): TOPMed below 0.00001; gnomAD 0.00001; gnomAD exomes 0.00001; ExAC 0.00003.
gnomAD v4.1: 18 of 1,613,878 alleles (0.0011%); highest among the groups gnomAD compares: Middle Eastern, 0.033%; no homozygotes.

Submissions (2):

Labcorp Genetics (formerly Invitae), Labcorp
Classification: Uncertain significance. Last evaluated: 2024-05-06. Review status: criteria provided, single submitter. Criteria: Invitae Variant Classification Sherloc (09022015). Collection method: clinical testing. Allele origin: germline.
Comment: This sequence change replaces lysine, which is basic and polar, with threonine, which is neutral and polar, at codon 230 of the POGLUT1 protein (p.Lys230Thr). This variant is present in population databases (rs780728548, gnomAD 0.02%). This variant has not been reported in the literature in individuals affected with POGLUT1-related conditions. ClinVar contains an entry for this variant (Variation ID: 2139590). Advanced modeling of protein sequence and biophysical properties (such as structural, functional, and spatial information, amino acid conservation, physicochemical variation, residue mobility, and thermodynamic stability) performed at Invitae indicates that this missense variant is not expected to disrupt POGLUT1 protein function with a negative predictive value of 80%. In summary, the available evidence is currently insufficient to determine the role of this variant in disease. Therefore, it has been classified as a Variant of Uncertain Significance.

Ambry Genetics
Classification: Uncertain significance for Inborn genetic diseases. Last evaluated: 2023-12-19. Review status: criteria provided, single submitter. Criteria: Ambry Variant Classification Scheme 2023. Collection method: clinical testing. Allele origin: germline.